The following is an entry in ClinVar:

ClinVar aggregate classification (germline): Likely benign (1 of 4 stars; one submission).

Allele frequency attached by ClinVar (database versions not stated): gnomAD 0.00533 and 0.00569; TOPMed 0.00584; 1000 Genomes Project 0.00699; 1000 Genomes Project 30x 0.00718.
gnomAD v4.1: 780 of 148,464 alleles (0.53%); highest among the groups gnomAD compares: African/African-American, 1.8%; 10 homozygotes.

Submission:

GeneDx
Classification: Likely benign. Last evaluated: 2018-06-19. Review status: criteria provided, single submitter. Criteria: GeneDx Variant Classification (06012015). Collection method: clinical testing. Allele origin: germline. Affected: yes.
Comment: This variant is considered likely benign or benign based on one or more of the following criteria: it is a conservative change, it occurs at a poorly conserved position in the protein, it is predicted to be benign by multiple in silico algorithms, and/or has population frequency not consistent with disease.

NM_000426.4(LAMA2):c.5563-161C>T

Gene: LAMA2 (laminin subunit alpha 2; plus strand). Cytogenetic location: 6q22.33.
Variant type: single nucleotide variant.
Coding change: c.5563-161C>T on transcript NM_000426.4 (MANE Select); 161 bases into the intron before coding-DNA position 5563, C replaced by T.
Molecular consequence: intron variant.
Genome position (GRCh38, 1-based): chr6:129,402,163, C>T. VCF-style: chr6-129402163-C-T. GRCh37 (hg19) VCF-style: chr6-129723308-C-T.
Other names: c.5563-161C>T (NM_001079823.2).
Identifiers: ClinVar variation 678259 (VCV000678259.1), dbSNP rs9767587, ClinGen allele CA146891372.